The following is an entry in ClinVar:

ClinVar aggregate classification (germline): Uncertain significance (1 of 4 stars; one submission).

Conditions:
Citrin deficiency. Identifiers: Orphanet 247582, MedGen C1997910, MONDO:0016602.

Submission:

Labcorp Genetics (formerly Invitae), Labcorp
Classification: Uncertain significance for Citrin deficiency. Last evaluated: 2025-08-18. Review status: criteria provided, single submitter. Criteria: Invitae Variant Classification Sherloc (09022015). Collection method: clinical testing. Allele origin: germline.
Comment: This sequence change creates a premature translational stop signal (p.Phe611Leufs*4) in the SLC25A13 gene. While this is not anticipated to result in nonsense mediated decay, it is expected to disrupt the last 65 amino acid(s) of the SLC25A13 protein. This variant is not present in population databases (gnomAD no frequency). This variant has not been reported in the literature in individuals affected with SLC25A13-related conditions. ClinVar contains an entry for this variant (Variation ID: 1022684). In summary, the available evidence is currently insufficient to determine the role of this variant in disease. Therefore, it has been classified as a Variant of Uncertain Significance.

NM_014251.3(SLC25A13):c.1833del (p.Phe611fs)

Gene: SLC25A13 (solute carrier family 25 member 13; minus strand). Cytogenetic location: 7q21.3.
Variant type: Deletion.
Coding change: c.1833del on transcript NM_014251.3 (MANE Select); coding-DNA position 1833, one base deleted (T; older notation c.1833delT).
Protein change: p.Phe611fs; shifts the reading frame from phenylalanine 611.
Molecular consequence: frameshift variant. On other transcripts: non-coding transcript variant (1).
Genome position (GRCh38, 1-based): chr7:96,121,663, A deleted on the plus strand (T on the coding strand, the reverse complement: SLC25A13 is on the minus strand); the first of 4 consecutive A bases (chr7:96,121,663-96,121,666); deleting any one gives the same sequence. VCF-style (leftmost placement, unchanged base first): chr7-96121662-CA-C. GRCh37 (hg19) VCF-style: chr7-95750974-CA-C.
Other names: c.1836del, p.Phe612fs (NM_001160210.2); short protein forms F611fs, F612fs.
Identifiers: ClinVar variation 1022684 (VCV001022684.6), dbSNP rs1791512056, ClinGen allele CA1727517767.